The following is an entry in ClinVar:

ClinVar aggregate classification (germline): Uncertain significance (1 of 4 stars; one submission).

Conditions:
SLC35A2-congenital disorder of glycosylation. Also called: DEVELOPMENTAL AND EPILEPTIC ENCEPHALOPATHY 22; CONGENITAL DISORDER OF GLYCOSYLATION, TYPE IIm; CDG IIm; CONGENITAL DISORDER OF GLYCOSYLATION, TYPE IIm, SOMATIC MOSAIC; EPILEPTIC ENCEPHALOPATHY, EARLY INFANTILE, 22; SLC35A2-CDG. Identifiers: Orphanet 356961, MedGen C3806688, MONDO:0010478, OMIM 300896.

Allele frequency attached by ClinVar (database versions not stated): TOPMed 0.00002; gnomAD 0.00003; ExAC 0.00004.
gnomAD v4.1: 8 of 1,208,729 alleles (0.00066%); highest among the groups gnomAD compares: Non-Finnish European, 0.00089%; no homozygotes.

Submission:

Labcorp Genetics (formerly Invitae), Labcorp
Classification: Uncertain significance for SLC35A2-congenital disorder of glycosylation. Last evaluated: 2023-11-11. Review status: criteria provided, single submitter. Criteria: Invitae Variant Classification Sherloc (09022015). Collection method: clinical testing. Allele origin: germline.
Comment: This sequence change replaces arginine, which is basic and polar, with histidine, which is basic and polar, at codon 64 of the SLC35A2 protein (p.Arg64His). The frequency data for this variant in the population databases is considered unreliable, as metrics indicate poor data quality at this position in the gnomAD database. This variant has not been reported in the literature in individuals affected with SLC35A2-related conditions. Advanced modeling of protein sequence and biophysical properties (such as structural, functional, and spatial information, amino acid conservation, physicochemical variation, residue mobility, and thermodynamic stability) has been performed at Invitae for this missense variant, however the output from this modeling did not meet the statistical confidence thresholds required to predict the impact of this variant on SLC35A2 protein function. In summary, the available evidence is currently insufficient to determine the role of this variant in disease. Therefore, it has been classified as a Variant of Uncertain Significance.

NM_005660.3(SLC35A2):c.191G>A (p.Arg64His)

Gene: SLC35A2 (solute carrier family 35 member A2; minus strand). Cytogenetic location: Xp11.23.
Variant type: single nucleotide variant.
Coding change: c.191G>A on transcript NM_005660.3 (MANE Select); coding-DNA position 191, G replaced by A.
Protein change: p.Arg64His; replaces arginine 64 with histidine.
Molecular consequence: missense variant. On other transcripts: intron variant (1).
Genome position (GRCh38, 1-based): chrX:48,909,897, C>T on the plus strand (G>A on the coding strand, the complement: SLC35A2 is on the minus strand). VCF-style: chrX-48909897-C-T. GRCh37 (hg19) VCF-style: chrX-48767174-C-T.
Other names: c.191G>A, p.Arg64His (NM_001032289.3, NM_001042498.3, NM_001282647.2); c.119G>A, p.Arg40His (NM_001282648.2); c.230G>A, p.Arg77His (NM_001282650.2); c.275G>A, p.Arg92His (NM_001282651.2); c.91+1649G>A (NM_001282649.2); short protein forms R77H, R64H, R92H, R40H.
Identifiers: ClinVar variation 2918092 (VCV002918092.3), dbSNP rs201465248, ClinGen allele CA10406182.